The following is an entry in ClinVar:

NM_003185.4(TAF4):c.3077G>C (p.Gly1026Ala)

Gene: TAF4 (TATA-box binding protein associated factor 4; minus strand). Cytogenetic location: 20q13.33.
Variant type: single nucleotide variant.
Coding change: c.3077G>C on transcript NM_003185.4 (MANE Select); coding-DNA position 3077, G replaced by C.
Protein change: p.Gly1026Ala; replaces glycine 1026 with alanine.
Molecular consequence: missense variant.
Genome position (GRCh38, 1-based): chr20:61,997,563, C>G on the plus strand (G>C on the coding strand, the complement: TAF4 is on the minus strand). VCF-style: chr20-61997563-C-G. GRCh37 (hg19) VCF-style: chr20-60572619-C-G.
Other names: short protein forms G1026A.
Identifiers: ClinVar variation 3902355 (VCV003902355.1).
Genomic context (GRCh38, chr20:61,997,563, plus strand): 5'-GTTCCCCATGTTTCCCCCAGGACCTCGATCCCACAACACTGCCGTACCTCTGCTCCTGAG[C>G]CCGGCCCCGGACAGTCCACTTTCCTCTTTTTCCTGGGCCCGATCGCTGCTAGTGCTGTGA-3'
Protein context (NP_003176.2, residues 1016-1036): KKRKVDCPGP[Gly1026Ala]SGAEGSGPGS

ClinVar aggregate classification (germline): Uncertain significance (1 of 4 stars; one submission).

gnomAD v4.1: 19 of 1,599,058 alleles (0.0012%); highest among the groups gnomAD compares: Non-Finnish European, 0.0016%; no homozygotes.

Submission:

Women's Health and Genetics/Laboratory Corporation of America, LabCorp
Classification: Uncertain significance. Last evaluated: 2025-05-09. Review status: criteria provided, single submitter. Criteria: LabCorp Variant Classification Summary - May 2015. Collection method: clinical testing. Allele origin: germline.
Comment: Variant summary: TAF4 c.3077G>C (p.Gly1026Ala) results in a non-conservative amino acid change in the encoded protein sequence. Algorithms developed to predict the effect of missense changes on protein structure and function are either unavailable or do not agree on the potential impact of this missense change. The variant allele was found at a frequency of 8.4e-06 in 238910 control chromosomes. The available data on variant occurrences in the general population are insufficient to allow any conclusion about variant significance. To our knowledge, no occurrence of c.3077G>C in individuals affected with Intellectual Developmental Disorder, Autosomal Dominant 73 and no experimental evidence demonstrating its impact on protein function have been reported. No submitters have cited clinical-significance assessments for this variant to ClinVar. Based on the evidence outlined above, the variant was classified as uncertain significance.